The following is an entry in ClinVar:

NM_020442.6(VARS2):c.2354G>A (p.Arg785His)

Genes: VARS2 (valyl-tRNA synthetase 2, mitochondrial; plus strand), LOC126859646 (MED14-independent group 3 enhancer GRCh37_chr6:30889690-30890889; plus strand). Cytogenetic location: 6p21.33.
Variant type: single nucleotide variant.
Coding change: c.2354G>A on transcript NM_020442.6 (MANE Select); coding-DNA position 2354, G replaced by A.
Protein change: p.Arg785His; replaces arginine 785 with histidine.
Molecular consequence: missense variant.
Genome position (GRCh38, 1-based): chr6:30,923,393, G>A. VCF-style: chr6-30923393-G-A. GRCh37 (hg19) VCF-style: chr6-30891170-G-A.
Other names: c.1934G>A, p.Arg645His (NM_001167733.3); c.2444G>A, p.Arg815His (NM_001167734.2); c.2444G>A (NM_001167734.1); short protein forms R645H, R785H, R815H.
Identifiers: ClinVar variation 1421758 (VCV001421758.6), dbSNP rs779735316, ClinGen allele CA3706250.

ClinVar aggregate classification (germline): Uncertain significance. Review status: criteria provided, multiple submitters, no conflicts (2 of 4 stars). 2 submissions from 2 submitters: Uncertain significance (2). Last evaluated 2025-01-19.

Conditions:
Inborn genetic diseases. Identifiers: MedGen C0950123, MeSH D030342.

Allele frequency attached by ClinVar (database versions not stated): gnomAD exomes below 0.00001 and 0.00001; ExAC 0.00001; gnomAD 0.00001; TOPMed 0.00001.
gnomAD v4.1: 20 of 1,611,984 alleles (0.0012%); highest among the groups gnomAD compares: East Asian, 0.0045%; no homozygotes.

Submissions (2):

Ambry Genetics
Classification: Uncertain significance for Inborn genetic diseases. Last evaluated: 2025-01-19. Review status: criteria provided, single submitter. Criteria: Ambry Variant Classification Scheme 2023. Collection method: clinical testing. Allele origin: germline.

Labcorp Genetics (formerly Invitae), Labcorp
Classification: Uncertain significance. Last evaluated: 2021-12-08. Review status: criteria provided, single submitter. Criteria: Invitae Variant Classification Sherloc (09022015). Collection method: clinical testing. Allele origin: germline.
Comment: In summary, the available evidence is currently insufficient to determine the role of this variant in disease. Therefore, it has been classified as a Variant of Uncertain Significance. Algorithms developed to predict the effect of missense changes on protein structure and function are either unavailable or do not agree on the potential impact of this missense change (SIFT: "Deleterious"; PolyPhen-2: "Benign"; Align-GVGD: "Class C0"). This variant has not been reported in the literature in individuals affected with VARS2-related conditions. This variant is present in population databases (rs779735316, gnomAD 0.0009%). This sequence change replaces arginine, which is basic and polar, with histidine, which is basic and polar, at codon 815 of the VARS2 protein (p.Arg815His).